The following is an entry in ClinVar:

NM_017654.4(SAMD9):c.3307C>A (p.Leu1103Ile)

Gene: SAMD9 (sterile alpha motif domain containing 9; minus strand). Cytogenetic location: 7q21.2.
Variant type: single nucleotide variant.
Coding change: c.3307C>A on transcript NM_017654.4 (MANE Select); coding-DNA position 3307, C replaced by A.
Protein change: p.Leu1103Ile; replaces leucine 1103 with isoleucine.
Molecular consequence: missense variant.
Genome position (GRCh38, 1-based): chr7:93,102,791, G>T on the plus strand (C>A on the coding strand, the complement: SAMD9 is on the minus strand). VCF-style: chr7-93102791-G-T. GRCh37 (hg19) VCF-style: chr7-92732104-G-T.
Other names: c.3307C>A, p.Leu1103Ile (NM_001193307.2); short protein forms L1103I.
Identifiers: ClinVar variation 5028799 (VCV005028799.1).

ClinVar aggregate classification (germline): Uncertain significance (1 of 4 stars; one submission).

Conditions:
Inborn genetic diseases. Identifiers: MedGen C0950123, MeSH D030342.

Submission:

Ambry Genetics
Classification: Uncertain significance for Inborn genetic diseases. Last evaluated: 2026-08-22. Review status: criteria provided, single submitter. Criteria: Ambry Variant Classification Scheme 2023. Collection method: clinical testing. Allele origin: germline.
Comment: The p.L1103I variant (also known as c.3307C>A), located in coding exon 1 of the SAMD9 gene, results from a C to A substitution at nucleotide position 3307. The leucine at codon 1103 is replaced by isoleucine, an amino acid with highly similar properties. This amino acid position is conserved. In addition, this alteration is predicted to be tolerated by in silico analysis. Based on the available evidence, the clinical significance of this variant remains unclear.